The following is an entry in ClinVar:

ClinVar aggregate classification (germline): Uncertain significance. Review status: criteria provided, multiple submitters, no conflicts (2 of 4 stars). 2 submissions from 2 submitters: Uncertain significance (2). Last evaluated 2022-11-22.

Allele frequency attached by ClinVar (database versions not stated): gnomAD exomes below 0.00001; TOPMed 0.00002; gnomAD 0.00003 and 0.00004.

Submissions (2):

Labcorp Genetics (formerly Invitae), Labcorp
Classification: Uncertain significance. Last evaluated: 2022-11-22. Review status: criteria provided, single submitter. Criteria: Invitae Variant Classification Sherloc (09022015). Collection method: clinical testing. Allele origin: germline.
Comment: In summary, the available evidence is currently insufficient to determine the role of this variant in disease. Therefore, it has been classified as a Variant of Uncertain Significance. Algorithms developed to predict the effect of missense changes on protein structure and function (SIFT, PolyPhen-2, Align-GVGD) all suggest that this variant is likely to be disruptive. ClinVar contains an entry for this variant (Variation ID: 1412369). This variant has not been reported in the literature in individuals affected with CWC27-related conditions. This variant is present in population databases (no rsID available, gnomAD 0.02%). This sequence change replaces glycine, which is neutral and non-polar, with arginine, which is basic and polar, at codon 80 of the CWC27 protein (p.Gly80Arg).

Blueprint Genetics
Classification: Uncertain significance. Last evaluated: 2022-09-28. Review status: criteria provided, single submitter. Criteria: ACMG Guidelines, 2015. Collection method: clinical testing. Allele origin: germline.

NM_005869.4(CWC27):c.238G>A (p.Gly80Arg)

Gene: CWC27 (CWC27 spliceosome associated cyclophilin; plus strand). Cytogenetic location: 5q12.3.
Variant type: single nucleotide variant.
Coding change: c.238G>A on transcript NM_005869.4 (MANE Select); coding-DNA position 238, G replaced by A.
Protein change: p.Gly80Arg; replaces glycine 80 with arginine.
Molecular consequence: missense variant.
Genome position (GRCh38, 1-based): chr5:64,782,019, G>A. VCF-style: chr5-64782019-G-A. GRCh37 (hg19) VCF-style: chr5-64077846-G-A.
Other names: c.238G>A, p.Gly80Arg (NM_001297644.1, NM_001297645.2, NM_001318000.2 and 1 more transcripts); short protein forms G80R.
Identifiers: ClinVar variation 1412369 (VCV001412369.7), dbSNP rs1377145480, ClinGen allele CA359842389.
Genomic context (GRCh38, chr5:64,782,019, plus strand): 5'-GGTTTCATAGTCCAAGGCGGAGATCCTACTGGCACAGGGAGTGGTGGAGAGTCTATCTAT[G>A]GAGCGCCATTCAAAGTAAGACTGAATTATTATTTTTATTATTATTTTTGTTGTTATTATT-3'
Protein context (NP_005860.2, residues 70-90): GTGSGGESIY[Gly80Arg]APFKDEFHSR